The following is an entry in ClinVar:

ClinVar aggregate classification (germline): Uncertain significance. Review status: criteria provided, multiple submitters, no conflicts (2 of 4 stars). 3 submissions from 3 submitters: Uncertain significance (3). Last evaluated 2025-10-15.

Conditions:
Cardiovascular phenotype. Identifiers: MedGen CN230736.
Dilated cardiomyopathy 1O (CMD1O). Also called: CARDIOMYOPATHY, DILATED, WITH VENTRICULAR TACHYCARDIA. Identifiers: Orphanet 154, MedGen C1837839, MONDO:0012062, OMIM 608569.
Cardiomyopathy (CMYO). Also called: Cardiomyopathies. Identifiers: Orphanet 167848, MedGen C0878544, MONDO:0004994, HP:0001638. Inheritance: Various modes of inheritance.

Allele frequency attached by ClinVar (database versions not stated): gnomAD exomes 0.00003; gnomAD 0.00005 and 0.00001; ExAC 0.00006; TOPMed 0.00002; 1000 Genomes Project 0.00140; 1000 Genomes Project 30x 0.00187.
gnomAD v4.1: 27 of 1,609,384 alleles (0.0017%); highest among the groups gnomAD compares: Admixed American, 0.04%; 1 homozygote.

Submissions (3):

Ambry Genetics
Classification: Uncertain significance for Cardiovascular phenotype. Last evaluated: 2025-10-15. Review status: criteria provided, single submitter. Criteria: Ambry Variant Classification Scheme 2023. Collection method: clinical testing. Allele origin: germline.
Comment: The p.P696S variant (also known as c.2086C>T), located in coding exon 15 of the ABCC9 gene, results from a C to T substitution at nucleotide position 2086. The proline at codon 696 is replaced by serine, an amino acid with similar properties. This amino acid position is highly conserved in available vertebrate species. In addition, this alteration is predicted to be deleterious by in silico analysis. Since supporting evidence is limited at this time, the clinical significance of this alteration remains unclear.

Labcorp Genetics (formerly Invitae), Labcorp
Classification: Uncertain significance for Dilated cardiomyopathy 1O. Last evaluated: 2024-07-15. Review status: criteria provided, single submitter. Criteria: Invitae Variant Classification Sherloc (09022015). Collection method: clinical testing. Allele origin: germline.
Comment: This sequence change replaces proline, which is neutral and non-polar, with serine, which is neutral and polar, at codon 696 of the ABCC9 protein (p.Pro696Ser). This variant is present in population databases (rs183603557, gnomAD 0.01%), including at least one homozygous and/or hemizygous individual. This variant has not been reported in the literature in individuals affected with ABCC9-related conditions. ClinVar contains an entry for this variant (Variation ID: 626797). Advanced modeling of protein sequence and biophysical properties (such as structural, functional, and spatial information, amino acid conservation, physicochemical variation, residue mobility, and thermodynamic stability) performed at Invitae indicates that this missense variant is expected to disrupt ABCC9 protein function with a positive predictive value of 95%. In summary, the available evidence is currently insufficient to determine the role of this variant in disease. Therefore, it has been classified as a Variant of Uncertain Significance.

CHEO Genetics Diagnostic Laboratory, Children's Hospital of Eastern Ontario
Classification: Uncertain significance for Cardiomyopathy. Last evaluated: 2016-01-04. Review status: criteria provided, single submitter. Criteria: ACMG Guidelines, 2015. Collection method: clinical testing. Allele origin: germline. Study: Canadian Open Genetics Repository.

NM_020297.4(ABCC9):c.2086C>T (p.Pro696Ser)

Gene: ABCC9 (ATP binding cassette subfamily C member 9; minus strand). Cytogenetic location: 12p12.1.
Variant type: single nucleotide variant.
Coding change: c.2086C>T on transcript NM_020297.4 (MANE Select); coding-DNA position 2086, C replaced by T.
Protein change: p.Pro696Ser; replaces proline 696 with serine.
Molecular consequence: missense variant.
Genome position (GRCh38, 1-based): chr12:21,875,660, G>A on the plus strand (C>T on the coding strand, the complement: ABCC9 is on the minus strand). VCF-style: chr12-21875660-G-A. GRCh37 (hg19) VCF-style: chr12-22028594-G-A.
Other names: c.2086C>T, p.Pro696Ser (NM_001377273.1, NM_005691.4); c.1222C>T, p.Pro408Ser (NM_001377274.1); c.2086C>T (NM_005691.2); short protein forms P696S, P408S.
Identifiers: ClinVar variation 626797 (VCV000626797.11), dbSNP rs183603557, ClinGen allele CA6481505.
Genomic context (GRCh38, chr12:21,875,660, plus strand): 5'-AACTATGGTTACGGTCATGAACAATTACAAAAATGCATAACAGATAACTCTTACCTGTTG[G>A]AATTCGAATATCTATATTGGATAATGTAGCTAAACCACTGCCCCATGAAAAGTATCCATT-3'
Protein context (NP_064693.2, residues 686-706): ATLSNIDIRI[Pro696Ser]TGQLTMIVGQ